The following is an entry in ClinVar:

ClinVar aggregate classification (germline): Likely benign. Review status: criteria provided, multiple submitters, no conflicts (2 of 4 stars). 2 submissions from 2 submitters: Likely benign (2). Last evaluated 2026-02-02.

Conditions:
PYGM-related disorder. Also called: PYGM-related condition.
Glycogen storage disease, type V (GSD5). Also called: MCARDLE DISEASE; MUSCLE GLYCOGEN PHOSPHORYLASE DEFICIENCY; MYOPHOSPHORYLASE DEFICIENCY; McArdle type glycogen storage disease; PYGM DEFICIENCY. Identifiers: Orphanet 368, MedGen C0017924, MONDO:0009293, OMIM 232600.

Allele frequency attached by ClinVar (database versions not stated): ExAC 0.00001; gnomAD exomes 0.00002; gnomAD 0.00007 and 0.00008; TOPMed 0.00008; ESP Exome Variant Server 0.00015.
gnomAD v4.1: 19 of 1,605,068 alleles (0.0012%); highest among the groups gnomAD compares: African/African-American, 0.02%; no homozygotes.

Submissions (2):

Labcorp Genetics (formerly Invitae), Labcorp
Classification: Likely benign for Glycogen storage disease, type V. Last evaluated: 2026-02-02. Review status: criteria provided, single submitter. Criteria: Invitae Variant Classification Sherloc (09022015). Collection method: clinical testing. Allele origin: germline.

PreventionGenetics, part of Exact Sciences
Classification: Likely benign for PYGM-related condition. Last evaluated: 2025-01-06. Review status: criteria provided, single submitter. Criteria: ACMG Guidelines, 2015. Collection method: clinical testing. Allele origin: germline.
Comment: This variant is classified as likely benign based on ACMG/AMP sequence variant interpretation guidelines (Richards et al. 2015 PMID: 25741868, with internal and published modifications).

NM_005609.4(PYGM):c.1347G>T (p.Gly449=)

Gene: PYGM (glycogen phosphorylase, muscle associated; minus strand). Cytogenetic location: 11q13.1.
Variant type: single nucleotide variant.
Coding change: c.1347G>T on transcript NM_005609.4 (MANE Select); coding-DNA position 1347, G replaced by T.
Protein change: p.Gly449=; no amino-acid change (glycine 449 retained).
Molecular consequence: synonymous variant.
Genome position (GRCh38, 1-based): chr11:64,753,575, C>A on the plus strand (G>T on the coding strand, the complement: PYGM is on the minus strand). VCF-style: chr11-64753575-C-A. GRCh37 (hg19) VCF-style: chr11-64521047-C-A.
Other names: c.1083G>T, p.Gly361= (NM_001164716.1).
Identifiers: ClinVar variation 738097 (VCV000738097.11), dbSNP rs141152121, ClinGen allele CA6079908.